The following is an entry in ClinVar:

ClinVar aggregate classification (germline): Conflicting classifications of pathogenicity. Review status: criteria provided, conflicting classifications (1 of 4 stars). 6 submissions from 6 submitters: Uncertain significance (3); Likely benign (2). 1 of the submissions does not count toward it. Last evaluated 2026-01-14.

Conditions:
Neuromuscular disease caused by qualitative or quantitative defects of dysferlin. Also called: Qualitative or quantitative defects of dysferlin; Dysferlinopathy. Identifiers: Orphanet 207073, MedGen C2931687, MONDO:0016145.
Autosomal recessive limb-girdle muscular dystrophy type 2B (LGMDR2). Also called: MUSCULAR DYSTROPHY, LIMB-GIRDLE, TYPE 3; Limb-girdle muscular dystrophy, type 2B; Limb-Girdle Muscular Dystrophy Type 2B (LGMD2B); MUSCULAR DYSTROPHY, LIMB-GIRDLE, AUTOSOMAL RECESSIVE 2. Identifiers: Orphanet 268, MedGen C1850889, MONDO:0009676, OMIM 253601.

Allele frequency attached by ClinVar (database versions not stated): TOPMed 0.00007; gnomAD 0.00008; gnomAD exomes 0.00010; ExAC 0.00014.
gnomAD v4.1: 149 of 1,578,568 alleles (0.0094%); highest among the groups gnomAD compares: Middle Eastern, 0.17%; no homozygotes.

Submissions (6):

Labcorp Genetics (formerly Invitae), Labcorp
Classification: Likely benign for Neuromuscular disease caused by qualitative or quantitative defects of dysferlin. Last evaluated: 2026-01-14. Review status: criteria provided, single submitter. Criteria: Invitae Variant Classification Sherloc (09022015). Collection method: clinical testing. Allele origin: germline.

Revvity Omics, Revvity
Classification: Uncertain significance. Last evaluated: 2021-05-29. Review status: criteria provided, single submitter. Criteria: ACMG Guidelines, 2015. Collection method: clinical testing. Allele origin: germline.

Athena Diagnostics
Classification: Uncertain significance. Last evaluated: 2021-01-15. Review status: criteria provided, single submitter. Criteria: Athena Diagnostics criteria. Collection method: clinical testing. Allele origin: unknown.

GeneDx
Classification: Likely benign. Last evaluated: 2017-05-25. Review status: criteria provided, single submitter. Criteria: GeneDx Variant Classification (06012015). Collection method: clinical testing. Allele origin: germline. Affected: yes.
Comment: This variant is considered likely benign or benign based on one or more of the following criteria: it is a conservative change, it occurs at a poorly conserved position in the protein, it is predicted to be benign by multiple in silico algorithms, and/or has population frequency not consistent with disease.

Eurofins Ntd Llc (ga)
Classification: Uncertain significance. Last evaluated: 2017-02-06. Review status: criteria provided, single submitter. Criteria: EGL Classification Definitions 2015. Collection method: clinical testing. Allele origin: germline. Observed: 2 variant alleles, 2 heterozygotes.

Natera, Inc.
Classification: Uncertain significance for Limb-girdle muscular dystrophy type 2B. Last evaluated: 2020-04-03. Review status: no assertion criteria provided. Collection method: clinical testing. Allele origin: germline. Not counted in ClinVar's aggregate classification.

Literature cited by the submitters: PubMed 30564623 (cited by Athena Diagnostics); PubMed 32419263 (cited by Athena Diagnostics).

NM_001130987.2(DYSF):c.2159C>T (p.Thr720Met)

Gene: DYSF (dysferlin; plus strand). Cytogenetic location: 2p13.2.
Variant type: single nucleotide variant.
Coding change: c.2159C>T on transcript NM_001130987.2 (MANE Select); coding-DNA position 2159, C replaced by T.
Protein change: p.Thr720Met; replaces threonine 720 with methionine.
Molecular consequence: missense variant.
Genome position (GRCh38, 1-based): chr2:71,556,014, C>T. VCF-style: chr2-71556014-C-T. GRCh37 (hg19) VCF-style: chr2-71783144-C-T.
Other names: c.2108C>T, p.Thr703Met (NM_001130455.2, NM_001130983.2); c.2063C>T, p.Thr688Met (NM_001130976.2, NM_001130977.2); c.2105C>T, p.Thr702Met (NM_001130978.2, NM_003494.4); c.2198C>T, p.Thr733Met (NM_001130979.2); c.2156C>T, p.Thr719Met (NM_001130980.2, NM_001130981.2); c.2201C>T, p.Thr734Met (NM_001130982.2); c.2066C>T, p.Thr689Met (NM_001130984.2, NM_001130986.2); c.2159C>T, p.Thr720Met (NM_001130985.2); short protein forms T720M, T702M, T688M, T733M, T689M, T734M, T703M, T719M.
Identifiers: ClinVar variation 290178 (VCV000290178.20), dbSNP rs775539496, ClinGen allele CA1706069.